The following is an entry in ClinVar:

ClinVar aggregate classification (germline): Uncertain significance. Review status: criteria provided, multiple submitters, no conflicts (2 of 4 stars). 3 submissions from 3 submitters: Uncertain significance (3). Last evaluated 2025-02-26.

Conditions:
Long QT syndrome (LQTS). Identifiers: MedGen C0023976, MeSH D008133, MONDO:0002442. Disease mechanism: loss of function. Inheritance: Various modes of inheritance.
Cardiovascular phenotype. Identifiers: MedGen CN230736.

Allele frequency attached by ClinVar (database versions not stated): TOPMed 0.00001; ExAC 0.00002; gnomAD exomes 0.00002.
gnomAD v4.1: 25 of 1,613,994 alleles (0.0015%); highest among the groups gnomAD compares: South Asian, 0.0088%; no homozygotes.

Submissions (3):

Labcorp Genetics (formerly Invitae), Labcorp
Classification: Uncertain significance for Long QT syndrome. Last evaluated: 2025-02-26. Review status: criteria provided, single submitter. Criteria: Invitae Variant Classification Sherloc (09022015). Collection method: clinical testing. Allele origin: germline.
Comment: This sequence change replaces arginine, which is basic and polar, with glutamine, which is neutral and polar, at codon 3906 of the ANK2 protein (p.Arg3906Gln). This variant is present in population databases (rs770001324, gnomAD 0.01%). This variant has not been reported in the literature in individuals affected with ANK2-related conditions. ClinVar contains an entry for this variant (Variation ID: 190588). An algorithm developed to predict the effect of missense changes on protein structure and function (PolyPhen-2) suggests that this variant is likely to be disruptive. In summary, the available evidence is currently insufficient to determine the role of this variant in disease. Therefore, it has been classified as a Variant of Uncertain Significance.

Ambry Genetics
Classification: Uncertain significance for Cardiovascular phenotype. Last evaluated: 2022-07-01. Review status: criteria provided, single submitter. Criteria: Ambry Variant Classification Scheme 2023. Collection method: clinical testing. Allele origin: germline.
Comment: The p.R3906Q variant (also known as c.11717G>A), located in coding exon 45 of the ANK2 gene, results from a G to A substitution at nucleotide position 11717. The arginine at codon 3906 is replaced by glutamine, an amino acid with highly similar properties. According to data from gnomAD, the frequency for this variant is above the maximum credible frequency for a cardiac disease-causing variant in this gene based on internally established thresholds (Karczewski et al. Nature. 2020 May;581(7809):434-443; Whiffin et al. Genet Med. 2017 10;19:1151-1158). This amino acid position is well conserved in available vertebrate species. In addition, this alteration is predicted to be deleterious by in silico analysis. Based on the supporting evidence, the association of this alteration with ANK2-related neurodevelopmental disorder is unknown; however, the association with ANK2-related arrhythmia is unlikely.

GeneDx
Classification: Uncertain significance. Last evaluated: 2014-03-16. Review status: criteria provided, single submitter. Criteria: GeneDx Variant Classification (06012015). Collection method: clinical testing. Allele origin: germline. Affected: yes.
Comment: p.Arg3906Gln (CGG>CAG): c.11717 G>A in exon 45 of the ANK2 gene (NM_001148.4). The R3906Q variant has not been reported as a disease-causing mutation or as a polymorphism to our knowledge. Another variant affecting this same residue, R3906W, has been reported in association with LQTS (reported as c.5336 C>T or R1788W using alternate nomenclature; Mohler PJ et al., 2004). However, R3906W did not co-segregate with LQTS in two families with multiple affected relatives tested at GeneDx. The R3906Q variant was not observed in approximately 6,500 individuals of European and African American ancestry in the NHLBI Exome Sequencing Project, indicating it is not a common benign variant in these populations. The R3906Q variant is a semi-conservative amino acid substitution, which may impact secondary protein structure as these residues differ in some properties. This substitution occurs at a position that is well conserved in mammals but less conserved in vertebrates. In silico analysis predicts this variant likely does not alter the protein structure/function. No mutations in nearby residues have been reported in association with LQTS.Therefore, based on the currently available information, it is unclear whether this variant is a pathogenic mutation or a rare benign variant. The variant is found in LQT panel(s).

NM_001148.6(ANK2):c.11717G>A (p.Arg3906Gln)

Gene: ANK2 (ankyrin 2; plus strand). Cytogenetic location: 4q26.
Variant type: single nucleotide variant.
Coding change: c.11717G>A on transcript NM_001148.6 (MANE Select); coding-DNA position 11717, G replaced by A.
Protein change: p.Arg3906Gln; replaces arginine 3906 with glutamine.
Molecular consequence: missense variant. On other transcripts: intron variant (9).
Genome position (GRCh38, 1-based): chr4:113,373,307, G>A. VCF-style: chr4-113373307-G-A. GRCh37 (hg19) VCF-style: chr4-114294463-G-A.
Other names: p.R3906Q:CGG>CAG; c.5435G>A, p.Arg1812Gln (NM_001127493.3); c.5474G>A, p.Arg1825Gln (NM_001354225.2); c.5456G>A, p.Arg1819Gln (NM_001354228.2); c.5441G>A, p.Arg1814Gln (NM_001354230.2); c.5597G>A, p.Arg1866Gln (NM_001354231.2); c.5591G>A, p.Arg1864Gln (NM_001354232.2); c.5552G>A, p.Arg1851Gln (NM_001354235.2); and 51 more; short protein forms R1812Q, R3906Q, R1721Q, R1811Q, R1814Q, R1820Q, R1842Q, R1009Q.
Identifiers: ClinVar variation 190588 (VCV000190588.20), dbSNP rs770001324, ClinGen allele CA300993.
Genomic context (GRCh38, chr4:113,373,307, plus strand): 5'-CACACAAAAATAAGATACACAAATGAAATACATTTCAGGTTACTAGGAAAATCATTAGGC[G>A]GTATGTATCCTCTGAAGGCACAGAGAAAGAAGAGATTATGGTGCAGGGAATGCCACAGGA-3'
Protein context (NP_001139.3, residues 3896-3916): VKKVTRKIIR[Arg3906Gln]YVSSEGTEKE